The following is an entry in ClinVar:

NM_001382391.1(CSPP1):c.2129G>C (p.Gly710Ala)

Gene: CSPP1 (centrosome and spindle pole associated protein 1; plus strand). Cytogenetic location: 8q13.2.
Variant type: single nucleotide variant.
Coding change: c.2129G>C on transcript NM_001382391.1 (MANE Select); coding-DNA position 2129, G replaced by C.
Protein change: p.Gly710Ala; replaces glycine 710 with alanine.
Molecular consequence: missense variant.
Genome position (GRCh38, 1-based): chr8:67,154,024, G>C. VCF-style: chr8-67154024-G-C. GRCh37 (hg19) VCF-style: chr8-68066259-G-C.
Other names: c.1079G>C, p.Ser360Thr (NM_001291339.2); c.2048G>C, p.Gly683Ala (NM_001363131.2); c.1934G>C, p.Ser645Thr (NM_001363132.2); c.1853G>C, p.Ser618Thr (NM_001363133.2); c.2195G>C, p.Gly732Ala (NM_001364869.1); c.2015G>C, p.Gly672Ala (NM_001364870.1); c.2114G>C, p.Gly705Ala (NM_024790.7); short protein forms G705A, G710A, S618T, G672A, S645T, G683A, G732A, S360T.
Identifiers: ClinVar variation 1491412 (VCV001491412.6), dbSNP rs780885390, ClinGen allele CA4770765.

ClinVar aggregate classification (germline): Uncertain significance (1 of 4 stars; one submission).

Conditions:
Joubert syndrome 21 (JBTS21). Identifiers: MedGen C3810212, MONDO:0014288, OMIM 615636.

Allele frequency attached by ClinVar (database versions not stated): gnomAD 0.00001; TOPMed 0.00002.
gnomAD v4.1: 5 of 1,525,982 alleles (0.00033%); highest among the groups gnomAD compares: Admixed American, 0.0085%; no homozygotes.

Submission:

Labcorp Genetics (formerly Invitae), Labcorp
Classification: Uncertain significance for Joubert syndrome 21. Last evaluated: 2022-09-05. Review status: criteria provided, single submitter. Criteria: Invitae Variant Classification Sherloc (09022015). Collection method: clinical testing. Allele origin: germline.
Comment: In summary, the available evidence is currently insufficient to determine the role of this variant in disease. Therefore, it has been classified as a Variant of Uncertain Significance. Algorithms developed to predict the effect of sequence changes on RNA splicing suggest that this variant may disrupt the consensus splice site. Algorithms developed to predict the effect of missense changes on protein structure and function (SIFT, PolyPhen-2, Align-GVGD) all suggest that this variant is likely to be tolerated. ClinVar contains an entry for this variant (Variation ID: 1491412). This variant has not been reported in the literature in individuals affected with CSPP1-related conditions. This variant is present in population databases (rs780885390, gnomAD 0.01%). This sequence change replaces glycine, which is neutral and non-polar, with alanine, which is neutral and non-polar, at codon 705 of the CSPP1 protein (p.Gly705Ala).